The following is an entry in ClinVar:

ClinVar aggregate classification (germline): Uncertain significance (1 of 4 stars; one submission).

Submission:

GeneDx
Classification: Uncertain significance. Last evaluated: 2024-12-24. Review status: criteria provided, single submitter. Criteria: GeneDx Variant Classification Process June 2021. Collection method: clinical testing. Allele origin: germline. Affected: yes.
Comment: Not observed at significant frequency in large population cohorts (gnomAD); In silico analysis supports that this missense variant has a deleterious effect on protein structure/function; Has not been previously published as pathogenic or benign to our knowledge

NM_020791.4(TAOK1):c.1066A>G (p.Ser356Gly)

Gene: TAOK1 (TAO kinase 1; plus strand). Cytogenetic location: 17q11.2.
Variant type: single nucleotide variant.
Coding change: c.1066A>G on transcript NM_020791.4 (MANE Select); coding-DNA position 1066, A replaced by G.
Protein change: p.Ser356Gly; replaces serine 356 with glycine.
Molecular consequence: missense variant.
Genome position (GRCh38, 1-based): chr17:29,498,384, A>G. VCF-style: chr17-29498384-A-G. GRCh37 (hg19) VCF-style: chr17-27825402-A-G.
Other names: c.1066A>G, p.Ser356Gly (NM_025142.1); short protein forms S356G.
Identifiers: ClinVar variation 3908011 (VCV003908011.1).
Genomic context (GRCh38, chr17:29,498,384, plus strand): 5'-GATCATGGTGTTGGCCGGACAGGAACAGTTAATAGTGTTGGAAGTAATCAATCCATTCCC[A>G]GCATGTCCATCAGTGCCAGCAGCCAAAGCAGTAGTGTTAACAGTCTTCCAGATGTCTCAG-3'
Protein context (NP_065842.1, residues 346-366): NSVGSNQSIP[Ser356Gly]MSISASSQSS